The following is an entry in ClinVar:

ClinVar aggregate classification (germline): Pathogenic (1 of 4 stars; one submission).

Conditions:
Wiedemann-Steiner syndrome (WDSTS). Also called: Growth deficiency and mental retardation with facial dysmorphism. Identifiers: Orphanet 319182, MedGen C1854630, MONDO:0011518, OMIM 605130.

Submission:

Laboratorio de Biologia Molecular/Medicina Genomica - IFF/Fiocruz, Instituto Fernandes Figueira, Fundacao Oswaldo Cruz
Classification: Pathogenic for Wiedemann-Steiner syndrome. Last evaluated: 2025-02-15. Review status: criteria provided, single submitter. Criteria: ACMG Guidelines, 2015. Collection method: clinical testing. Allele origin: de novo. Affected: yes. Observed: 1 variant allele.
Comment: Variant: c.4238delA (p.Asn1413MetfsTer8) in exon 10 of the KMT2A gene. Protein effect: Frameshift variant predicted to introduce a premature stop codon, leading to nonsense-mediated mRNA decay in a gene where loss of function is a known disease mechanism. Population data: Not previously reported in population databases (gnomAD, aBraOM). Segregation/Phase data: Internal segregation analysis, without confirmation of paternity, indicates that this variant occurred de novo. ACMG/AMP criteria applied: PVS1, PM2_Supporting, PM6_Supporting.

NM_001197104.2(KMT2A):c.4238del (p.Asn1413fs)

Gene: KMT2A (lysine methyltransferase 2A; plus strand). Cytogenetic location: 11q23.3.
Variant type: Deletion.
Coding change: c.4238del on transcript NM_001197104.2 (MANE Select); coding-DNA position 4238, one base deleted (A; older notation c.4238delA).
Protein change: p.Asn1413fs; shifts the reading frame from asparagine 1413.
Molecular consequence: frameshift variant.
Genome position (GRCh38, 1-based): chr11:118,484,881, A deleted; the last of 4 consecutive A bases (chr11:118,484,878-118,484,881); deleting any one gives the same sequence. VCF-style (leftmost placement, unchanged base first): chr11-118484877-GA-G. GRCh37 (hg19) VCF-style: chr11-118355592-GA-G.
Other names: c.4337del, p.Asn1446fs (NM_001412597.1); c.4238del, p.Asn1413fs (NM_005933.4); c.4238delA (NM_001197104.2); short protein forms N1413fs, N1446fs.
Identifiers: ClinVar variation 4530691 (VCV004530691.1).